The following is an entry in ClinVar:

NM_005732.4(RAD50):c.3416A>C (p.Lys1139Thr)

Genes: RAD50 (RAD50 double strand break repair protein; plus strand), TH2-LCR (Th2 cytokine locus control region; plus strand), TH2LCRR (T helper type 2 locus control region associated RNA; minus strand). Cytogenetic location: 5q31.1.
Variant type: single nucleotide variant.
Coding change: c.3416A>C on transcript NM_005732.4 (MANE Select); coding-DNA position 3416, A replaced by C.
Protein change: p.Lys1139Thr; replaces lysine 1139 with threonine.
Molecular consequence: missense variant.
Genome position (GRCh38, 1-based): chr5:132,637,141, A>C. VCF-style: chr5-132637141-A-C. GRCh37 (hg19) VCF-style: chr5-131972833-A-C.
Other names: short protein forms K1139T.
Identifiers: ClinVar variation 4862862 (VCV004862862.1).

ClinVar aggregate classification (germline): Uncertain significance (1 of 4 stars; one submission).

Conditions:
Hereditary cancer-predisposing syndrome. Also called: Neoplastic Syndromes, Hereditary; Tumor predisposition; Hereditary Cancer Syndrome; Hereditary neoplastic syndrome. Identifiers: Orphanet 140162, MedGen C0027672, MeSH D009386, MONDO:0015356.

Submission:

Ambry Genetics
Classification: Uncertain significance for Hereditary cancer-predisposing syndrome. Last evaluated: 2026-06-12. Review status: criteria provided, single submitter. Criteria: Ambry Variant Classification Scheme 2023. Collection method: clinical testing. Allele origin: germline.
Comment: The p.K1139T variant (also known as c.3416A>C), located in coding exon 22 of the RAD50 gene, results from an A to C substitution at nucleotide position 3416. The lysine at codon 1139 is replaced by threonine, an amino acid with similar properties. This amino acid position is conserved. In addition, this alteration is predicted to be deleterious by in silico analysis. Based on the available evidence, the clinical significance of this variant remains unclear.